The following is an entry in ClinVar:

NM_006231.4(POLE):c.5395G>A (p.Val1799Ile)

Gene: POLE (DNA polymerase epsilon, catalytic subunit; minus strand). Cytogenetic location: 12q24.33.
Variant type: single nucleotide variant.
Coding change: c.5395G>A on transcript NM_006231.4 (MANE Select); coding-DNA position 5395, G replaced by A.
Protein change: p.Val1799Ile; replaces valine 1799 with isoleucine.
Molecular consequence: missense variant.
Genome position (GRCh38, 1-based): chr12:132,639,282, C>T on the plus strand (G>A on the coding strand, the complement: POLE is on the minus strand). VCF-style: chr12-132639282-C-T. GRCh37 (hg19) VCF-style: chr12-133215868-C-T.
Other names: short protein forms V1799I.
Identifiers: ClinVar variation 473729 (VCV000473729.14), dbSNP rs780525568, ClinGen allele CA6892530.
Genomic context (GRCh38, chr12:132,639,282, plus strand): 5'-TCACCTGGTTGTCTGCATAGATGTTGTGGTACTGGGTGATCTCCTTCACCCAGCCCACGA[C>T]CATGCTCTTCAGGATCCTGAAAGAGAAGGTGCACGACACCCTCGTACCCTCAGCCTCCCA-3'
Protein context (NP_006222.2, residues 1789-1809): SNTFRILKSM[Val1799Ile]VGWVKEITQY

ClinVar aggregate classification (germline): Uncertain significance. Review status: criteria provided, multiple submitters, no conflicts (2 of 4 stars). 3 submissions from 3 submitters: Uncertain significance (3). Last evaluated 2025-12-20.

Conditions:
Hereditary cancer-predisposing syndrome. Also called: Neoplastic Syndromes, Hereditary; Tumor predisposition; Hereditary neoplastic syndrome; Hereditary Cancer Syndrome. Identifiers: Orphanet 140162, MedGen C0027672, MeSH D009386, MONDO:0015356.

Allele frequency attached by ClinVar (database versions not stated): ExAC 0.00001; TOPMed 0.00002; gnomAD exomes 0.00001.
gnomAD v4.1: 4 of 1,614,026 alleles (0.00025%); highest among the groups gnomAD compares: Non-Finnish European, 0.00034%; no homozygotes.

Submissions (3):

Labcorp Genetics (formerly Invitae), Labcorp
Classification: Uncertain significance. Last evaluated: 2025-12-20. Review status: criteria provided, single submitter. Criteria: Invitae Variant Classification Sherloc (09022015). Collection method: clinical testing. Allele origin: germline.
Comment: This sequence change replaces valine, which is neutral and non-polar, with isoleucine, which is neutral and non-polar, at codon 1799 of the POLE protein (p.Val1799Ile). This variant is present in population databases (rs780525568, gnomAD 0.002%). This variant has not been reported in the literature in individuals affected with POLE-related conditions. ClinVar contains an entry for this variant (Variation ID: 473729). Invitae Evidence Modeling of protein sequence and biophysical properties (such as structural, functional, and spatial information, amino acid conservation, physicochemical variation, residue mobility, and thermodynamic stability) indicates that this missense variant is not expected to disrupt POLE protein function with a negative predictive value of 80%. In summary, the available evidence is currently insufficient to determine the role of this variant in disease. Therefore, it has been classified as a Variant of Uncertain Significance.

Ambry Genetics
Classification: Uncertain significance for Hereditary cancer-predisposing syndrome. Last evaluated: 2025-10-11. Review status: criteria provided, single submitter. Criteria: Ambry Variant Classification Scheme 2023. Collection method: clinical testing. Allele origin: germline.
Comment: The p.V1799I variant (also known as c.5395G>A), located in coding exon 40 of the POLE gene, results from a G to A substitution at nucleotide position 5395. The valine at codon 1799 is replaced by isoleucine, an amino acid with highly similar properties. This amino acid position is conserved. In addition, this alteration is predicted to be tolerated by in silico analysis. Since supporting evidence is limited at this time, the clinical significance of this alteration remains unclear.

Dasa
Classification: Uncertain significance. Last evaluated: 2025-05-27. Review status: criteria provided, single submitter. Criteria: DASA Assertion Criteria. Collection method: clinical testing. Allele origin: germline.
Comment: NM_006231.4(POLE):c.5395G>A (p.Val1799Ile) is a missense variant that results in the substitution of valine with isoleucine. This variant is rare in population databases. Computational prediction algorithms are consistent with a benign effect. The currently available literature and clinical evidence are not sufficient to establish a definitive association between this variant and the reported condition. Therefore, this variant is classified as a variant of uncertain significance.